The following is an entry in ClinVar:

ClinVar aggregate classification (germline): Uncertain significance (1 of 4 stars; one submission).

Conditions:
Immunodeficiency, common variable, 10. Also called: IMMUNODEFICIENCY, COMMON VARIABLE, WITH CENTRAL ADRENAL INSUFFICIENCY; DEFICIT IN ANTERIOR PITUITARY FUNCTION AND VARIABLE IMMUNODEFICIENCY. Identifiers: MedGen C3809991, MONDO:0014260, OMIM 615577.

gnomAD v4.1: 2 of 1,613,006 alleles (0.00012%); highest among the groups gnomAD compares: Non-Finnish European, 0.00017%; no homozygotes.

Submission:

Labcorp Genetics (formerly Invitae), Labcorp
Classification: Uncertain significance for Immunodeficiency, common variable, 10. Last evaluated: 2025-09-09. Review status: criteria provided, single submitter. Criteria: Invitae Variant Classification Sherloc (09022015). Collection method: clinical testing. Allele origin: germline.
Comment: This sequence change replaces lysine, which is basic and polar, with arginine, which is basic and polar, at codon 19 of the NFKB2 protein (p.Lys19Arg). This variant is not present in population databases (gnomAD no frequency). This variant has not been reported in the literature in individuals affected with NFKB2-related conditions. An algorithm developed to predict the effect of missense changes on protein structure and function (PolyPhen-2) suggests that this variant is likely to be tolerated. Algorithms developed to predict the effect of sequence changes on RNA splicing suggest that this variant may disrupt the consensus splice site. In summary, the available evidence is currently insufficient to determine the role of this variant in disease. Therefore, it has been classified as a Variant of Uncertain Significance.

NM_001322934.2(NFKB2):c.56A>G (p.Lys19Arg)

Genes: NFKB2 (nuclear factor kappa B subunit 2; plus strand), LOC130004598 (ATAC-STARR-seq lymphoblastoid active region 3929; plus strand). Cytogenetic location: 10q24.32.
Variant type: single nucleotide variant.
Coding change: c.56A>G on transcript NM_001322934.2 (MANE Select); coding-DNA position 56, A replaced by G.
Protein change: p.Lys19Arg; replaces lysine 19 with arginine.
Molecular consequence: missense variant.
Genome position (GRCh38, 1-based): chr10:102,396,287, A>G. VCF-style: chr10-102396287-A-G. GRCh37 (hg19) VCF-style: chr10-104156044-A-G.
Other names: c.56A>G, p.Lys19Arg (NM_001077494.3, NM_001261403.3, NM_001288724.1 and 2 more transcripts); short protein forms K19R.
Identifiers: ClinVar variation 4780961 (VCV004780961.1).